The following is an entry in ClinVar:

ClinVar aggregate classification (germline): Conflicting classifications of pathogenicity. Review status: criteria provided, conflicting classifications (1 of 4 stars). 2 submissions from 2 submitters: Pathogenic (1); Uncertain significance (1). Last evaluated 2024-05-27.

Conditions:
Retinitis pigmentosa 49 (RP49). Identifiers: Orphanet 791, MedGen C3151059, MONDO:0013405, OMIM 613756.
Retinal dystrophy. Also called: Inherited retinal dystrophy. Identifiers: Orphanet 71862, MedGen C0854723, MeSH D058499, MONDO:0019118, HP:0000556.

Allele frequency attached by ClinVar (database versions not stated): gnomAD exomes below 0.00001; TOPMed below 0.00001.
gnomAD v4.1: 2 of 1,614,108 alleles (0.00012%); highest among the groups gnomAD compares: South Asian, 0.0022%; no homozygotes.

Submissions (2):

Ophthalmic Genetics Group, Institute of Molecular and Clinical Ophthalmology Basel
Classification: Pathogenic for Retinal dystrophy. Last evaluated: 2024-05-27. Review status: criteria provided, single submitter. Criteria: ACMG Guidelines, 2015. Collection method: research. Allele origin: germline. Affected: yes. Observed: 2 variant alleles.
Comment: This variant was classified as Pathogenic based on ACMG criteria: PM2_mod, PM3_sup, PP1_strong and PP3_strong

3billion
Classification: Uncertain significance for Retinitis pigmentosa 49. Review status: criteria provided, single submitter. Criteria: ACMG Guidelines, 2015. Collection method: clinical testing. Allele origin: unknown. Affected: yes. Observed: 1 homozygote.
Comment: The variant is not observed in the gnomAD v2.1.1 dataset. In silico tool predictions suggest damaging effect of the variant on gene or gene product (REVEL: 0.99; 3Cnet: 0.98). Same nucleotide change resulting in same amino acid change has been previously reported to be associated with CNGA1 related disorder, and to co-segregate with the disease in at least one similarly affected relative/individual in the same family or similarly affected unrelated family (PMID: 25775262). However, the evidence of pathogenicity is insufficient at this time. Therefore, this variant is classified as Uncertain significance according to the recommendation of ACMG/AMP guideline.

Literature cited by the submitters: PubMed 25775262 (cited by Ophthalmic Genetics Group, Institute of Molecular and Clinical Ophthalmology Basel and 3billion); PubMed 40180963 (cited by Ophthalmic Genetics Group, Institute of Molecular and Clinical Ophthalmology Basel).

NM_001379270.1(CNGA1):c.1079G>A (p.Gly360Asp)

Genes: CNGA1 (cyclic nucleotide gated channel subunit alpha 1; minus strand), LOC101927157 (uncharacterized LOC101927157; plus strand). Cytogenetic location: 4p12.
Variant type: single nucleotide variant.
Coding change: c.1079G>A on transcript NM_001379270.1 (MANE Select); coding-DNA position 1079, G replaced by A.
Protein change: p.Gly360Asp; replaces glycine 360 with aspartic acid.
Molecular consequence: missense variant.
Genome position (GRCh38, 1-based): chr4:47,937,403, C>T on the plus strand (G>A on the coding strand, the complement: CNGA1 is on the minus strand). VCF-style: chr4-47937403-C-T. GRCh37 (hg19) VCF-style: chr4-47939420-C-T.
Other names: NC_000004.11:g.47939420C>T; NP_000078.2:p.(Gly364Asp); c.1079G>A, p.Gly360Asp (NM_000087.5, NM_001142564.2); short protein forms G360D.
Identifiers: ClinVar variation 2572419 (VCV002572419.3), dbSNP rs965734036, ClinGen allele CA96689021.